The following is an entry in ClinVar:

ClinVar aggregate classification (germline): Uncertain significance (1 of 4 stars; one submission).

Allele frequency attached by ClinVar (database versions not stated): ExAC 0.00001; gnomAD 0.00001; gnomAD exomes 0.00001; TOPMed 0.00002.

Submission:

Labcorp Genetics (formerly Invitae), Labcorp
Classification: Uncertain significance. Last evaluated: 2024-04-17. Review status: criteria provided, single submitter. Criteria: Invitae Variant Classification Sherloc (09022015). Collection method: clinical testing. Allele origin: germline.
Comment: This sequence change replaces proline, which is neutral and non-polar, with serine, which is neutral and polar, at codon 227 of the SDR9C7 protein (p.Pro227Ser). This variant is present in population databases (rs749322568, gnomAD 0.002%). This variant has not been reported in the literature in individuals affected with SDR9C7-related conditions. ClinVar contains an entry for this variant (Variation ID: 1929901). Advanced modeling of protein sequence and biophysical properties (such as structural, functional, and spatial information, amino acid conservation, physicochemical variation, residue mobility, and thermodynamic stability) performed at Invitae indicates that this missense variant is not expected to disrupt SDR9C7 protein function with a negative predictive value of 80%. In summary, the available evidence is currently insufficient to determine the role of this variant in disease. Therefore, it has been classified as a Variant of Uncertain Significance.

NM_148897.3(SDR9C7):c.679C>T (p.Pro227Ser)

Gene: SDR9C7 (short chain dehydrogenase/reductase family 9C member 7; minus strand). Cytogenetic location: 12q13.3.
Variant type: single nucleotide variant.
Coding change: c.679C>T on transcript NM_148897.3 (MANE Select); coding-DNA position 679, C replaced by T.
Protein change: p.Pro227Ser; replaces proline 227 with serine.
Molecular consequence: missense variant.
Genome position (GRCh38, 1-based): chr12:56,929,435, G>A on the plus strand (C>T on the coding strand, the complement: SDR9C7 is on the minus strand). VCF-style: chr12-56929435-G-A. GRCh37 (hg19) VCF-style: chr12-57323219-G-A.
Other names: short protein forms P227S.
Identifiers: ClinVar variation 1929901 (VCV001929901.5), dbSNP rs749322568, ClinGen allele CA6638092.